The following is an entry in ClinVar:

ClinVar aggregate classification (germline): Uncertain significance (1 of 4 stars; one submission).

Conditions:
Cardiovascular phenotype. Identifiers: MedGen CN230736.

gnomAD v4.1: 2 of 1,543,068 alleles (0.00013%); highest among the groups gnomAD compares: Middle Eastern, 0.039%; no homozygotes.

Submission:

Ambry Genetics
Classification: Uncertain significance for Cardiovascular phenotype. Last evaluated: 2026-07-04. Review status: criteria provided, single submitter. Criteria: Ambry Variant Classification Scheme 2023. Collection method: clinical testing. Allele origin: germline.
Comment: The p.A3267S variant (also known as c.9799G>T), located in coding exon 2 of the ZNF469 gene, results from a G to T substitution at nucleotide position 9799. The alanine at codon 3267 is replaced by serine, an amino acid with similar properties. This amino acid position is conserved. In addition, this alteration is predicted to be tolerated by in silico analysis. Based on the available evidence, the clinical significance of this variant remains unclear.

NM_001367624.2(ZNF469):c.9883G>T (p.Ala3295Ser)

Gene: ZNF469 (zinc finger protein 469; plus strand). Cytogenetic location: 16q24.2.
Variant type: single nucleotide variant.
Coding change: c.9883G>T on transcript NM_001367624.2 (MANE Select); coding-DNA position 9883, G replaced by T.
Protein change: p.Ala3295Ser; replaces alanine 3295 with serine.
Molecular consequence: missense variant.
Genome position (GRCh38, 1-based): chr16:88,437,353, G>T. VCF-style: chr16-88437353-G-T. GRCh37 (hg19) VCF-style: chr16-88503761-G-T.
Other names: NM_001127464.1:c.9799G>T; short protein forms A3295S.
Identifiers: ClinVar variation 5032210 (VCV005032210.1).